The following is an entry in ClinVar:

NM_000038.5:c.423-17insT

Gene: APC (APC regulator of Wnt signaling pathway; plus strand). Cytogenetic location: 5q22.2.
Variant type: Insertion.
Identifiers: ClinVar variation 181780 (VCV000181780.1).

ClinVar aggregate classification (germline): Benign (1 of 4 stars; one submission).

Conditions:
Hereditary cancer-predisposing syndrome. Also called: Tumor predisposition; Hereditary Cancer Syndrome; Hereditary neoplastic syndrome; Neoplastic Syndromes, Hereditary. Identifiers: Orphanet 140162, MedGen C0027672, MeSH D009386, MONDO:0015356.

Submission:

GeneDx
Classification: Benign for Neoplastic Syndromes, Hereditary. Last evaluated: 2013-12-18. Review status: criteria provided, single submitter. Criteria: GeneDx Variant Classification (06012015). Collection method: clinical testing. Allele origin: germline. Affected: yes.
Comment: The variant is found in COLO-HEREDIC,HEREDICANCER panel(s).